The following is an entry in ClinVar:

NM_177965.4(CFAP418):c.438G>A (p.Met146Ile)

Gene: CFAP418 (cilia and flagella associated protein 418; minus strand). Cytogenetic location: 8q22.1.
Variant type: single nucleotide variant.
Coding change: c.438G>A on transcript NM_177965.4 (MANE Select); coding-DNA position 438, G replaced by A.
Protein change: p.Met146Ile; replaces methionine 146 with isoleucine.
Molecular consequence: missense variant. On other transcripts: intron variant (1).
Genome position (GRCh38, 1-based): chr8:95,252,220, C>T on the plus strand (G>A on the coding strand, the complement: CFAP418 is on the minus strand). VCF-style: chr8-95252220-C-T. GRCh37 (hg19) VCF-style: chr8-96264448-C-T.
Other names: c.375-4450G>A (NM_001363260.1); short protein forms M146I.
Identifiers: ClinVar variation 2124954 (VCV002124954.4), dbSNP rs1811719945, ClinGen allele CA371838505.
Genomic context (GRCh38, chr8:95,252,220, plus strand): 5'-TTCAGAGTGAAGTTCTTTAGCAACATACCTGAAAAACAGATAATCACACGATTTGTCCCA[C>T]ATATAGTCATCATAGCTGACTACCAAGAAATCACAGGCTATACAACGCAGATGGTCACAT-3'
Protein context (NP_808880.1, residues 136-156): DFLVVSYDDY[Met146Ile]WDKSCDYLFF

ClinVar aggregate classification (germline): Uncertain significance (1 of 4 stars; one submission).

Allele frequency attached by ClinVar (database versions not stated): TOPMed 0.00001.

Submission:

Labcorp Genetics (formerly Invitae), Labcorp
Classification: Uncertain significance. Last evaluated: 2023-07-17. Review status: criteria provided, single submitter. Criteria: Invitae Variant Classification Sherloc (09022015). Collection method: clinical testing. Allele origin: germline.
Comment: This sequence change replaces methionine, which is neutral and non-polar, with isoleucine, which is neutral and non-polar, at codon 146 of the C8orf37 protein (p.Met146Ile). This variant is not present in population databases (gnomAD no frequency). This variant has not been reported in the literature in individuals affected with C8orf37-related conditions. ClinVar contains an entry for this variant (Variation ID: 2124954). Algorithms developed to predict the effect of missense changes on protein structure and function output the following: SIFT: "Not Available"; PolyPhen-2: "Benign"; Align-GVGD: "Not Available". The isoleucine amino acid residue is found in multiple mammalian species, which suggests that this missense change does not adversely affect protein function. In summary, the available evidence is currently insufficient to determine the role of this variant in disease. Therefore, it has been classified as a Variant of Uncertain Significance.